The following is an entry in ClinVar:

NM_005591.4(MRE11):c.1126T>C (p.Phe376Leu)

Gene: MRE11 (MRE11 double strand break repair nuclease; minus strand). Cytogenetic location: 11q21.
Variant type: single nucleotide variant.
Coding change: c.1126T>C on transcript NM_005591.4 (MANE Select); coding-DNA position 1126, T replaced by C.
Protein change: p.Phe376Leu; replaces phenylalanine 376 with leucine.
Molecular consequence: missense variant.
Genome position (GRCh38, 1-based): chr11:94,464,212, A>G on the plus strand (T>C on the coding strand, the complement: MRE11 is on the minus strand). VCF-style: chr11-94464212-A-G. GRCh37 (hg19) VCF-style: chr11-94197378-A-G.
Other names: c.1126T>C, p.Phe376Leu (NM_001330347.2, NM_005590.4); short protein forms F376L.
Identifiers: ClinVar variation 1800280 (VCV001800280.2), dbSNP rs1946500146, ClinGen allele CA382372987.

ClinVar aggregate classification (germline): Uncertain significance (1 of 4 stars; one submission).

Conditions:
Hereditary cancer-predisposing syndrome. Also called: Neoplastic Syndromes, Hereditary; Tumor predisposition; Hereditary Cancer Syndrome; Hereditary neoplastic syndrome. Identifiers: Orphanet 140162, MedGen C0027672, MeSH D009386, MONDO:0015356.

Allele frequency attached by ClinVar (database versions not stated): gnomAD exomes below 0.00001.
gnomAD v4.1: 6 of 1,613,972 alleles (0.00037%); highest among the groups gnomAD compares: Non-Finnish European, 0.00051%; no homozygotes.

Submission:

Ambry Genetics
Classification: Uncertain significance for Hereditary cancer-predisposing syndrome. Last evaluated: 2020-02-28. Review status: criteria provided, single submitter. Criteria: Ambry Variant Classification Scheme 2023. Collection method: clinical testing. Allele origin: germline.
Comment: The p.F376L variant (also known as c.1126T>C), located in coding exon 10 of the MRE11A gene, results from a T to C substitution at nucleotide position 1126. The phenylalanine at codon 376 is replaced by leucine, an amino acid with highly similar properties. This amino acid position is highly conserved in available vertebrate species. In addition, the in silico prediction for this alteration is inconclusive. Since supporting evidence is limited at this time, the clinical significance of this alteration remains unclear.